The following is an entry in ClinVar:

ClinVar aggregate classification (germline): Uncertain significance. Review status: criteria provided, multiple submitters, no conflicts (2 of 4 stars). 2 submissions from 2 submitters: Uncertain significance (2). Last evaluated 2025-01-23.

Conditions:
Malignant hyperthermia, susceptibility to, 5 (MHS5). Also called: CACNA1S-Related Malignant Hyperthermia Susceptibility. Identifiers: Orphanet 423, MedGen C1866077, MONDO:0011163, OMIM 601887.
Inborn genetic diseases. Identifiers: MedGen C0950123, MeSH D030342.

Allele frequency attached by ClinVar (database versions not stated): gnomAD exomes below 0.00001; TOPMed below 0.00001; gnomAD 0.00001; ExAC 0.00002.
gnomAD v4.1: 5 of 1,613,220 alleles (0.00031%); highest among the groups gnomAD compares: South Asian, 0.0044%; 1 homozygote.

Submissions (2):

Ambry Genetics
Classification: Uncertain significance for Inborn genetic diseases. Last evaluated: 2025-01-23. Review status: criteria provided, single submitter. Criteria: Ambry Variant Classification Scheme 2023. Collection method: clinical testing. Allele origin: germline.

All of Us Research Program, National Institutes of Health
Classification: Uncertain significance for Malignant hyperthermia, susceptibility to, 5. Last evaluated: 2023-08-28. Review status: criteria provided, single submitter. Criteria: ACMG Guidelines, 2015. Collection method: clinical testing. Allele origin: germline. Inheritance: Autosomal dominant inheritance. Observed: 1 variant allele, 1 heterozygote.
Comment: This missense variant replaces lysine with glutamine at codon 1478 of the CACNA1S protein. Computational prediction is inconclusive regarding the impact of this variant on protein structure and function (internally defined REVEL score threshold 0.5 < inconclusive < 0.7, PMID: 27666373). To our knowledge, functional studies have not been reported for this variant. This variant has not been reported in individuals affected with CACNA1S-related disorders in the literature. This variant has been identified in 2/251246 chromosomes in the general population by the Genome Aggregation Database (gnomAD). The available evidence is insufficient to determine the role of this variant in disease conclusively. Therefore, this variant is classified as a Variant of Uncertain Significance.

This study involves interpretation of variants in research participants for the purpose of population health screening. Participant phenotype was not available at the time of variant classification. Additional details can be found in publication PMID: 35346344, PMCID: PMC8962531

NM_000069.3(CACNA1S):c.4432A>C (p.Lys1478Gln)

Gene: CACNA1S (calcium voltage-gated channel subunit alpha1 S; minus strand). Cytogenetic location: 1q32.1.
Variant type: single nucleotide variant.
Coding change: c.4432A>C on transcript NM_000069.3 (MANE Select); coding-DNA position 4432, A replaced by C.
Protein change: p.Lys1478Gln; replaces lysine 1478 with glutamine.
Molecular consequence: missense variant.
Genome position (GRCh38, 1-based): chr1:201,048,591, T>G on the plus strand (A>C on the coding strand, the complement: CACNA1S is on the minus strand). VCF-style: chr1-201048591-T-G. GRCh37 (hg19) VCF-style: chr1-201017719-T-G.
Other names: c.4432A>C (NM_000069.2); short protein forms K1478Q.
Identifiers: ClinVar variation 3073269 (VCV003073269.2), dbSNP rs745558537, ClinGen allele CA083344.